The following is an entry in ClinVar:

NM_001111.5(ADAR):c.1171A>G (p.Thr391Ala)

Gene: ADAR (adenosine deaminase RNA specific; minus strand). Cytogenetic location: 1q21.3.
Variant type: single nucleotide variant.
Coding change: c.1171A>G on transcript NM_001111.5 (MANE Select); coding-DNA position 1171, A replaced by G.
Protein change: p.Thr391Ala; replaces threonine 391 with alanine.
Molecular consequence: missense variant.
Genome position (GRCh38, 1-based): chr1:154,601,471, T>C on the plus strand (A>G on the coding strand, the complement: ADAR is on the minus strand). VCF-style: chr1-154601471-T-C. GRCh37 (hg19) VCF-style: chr1-154573947-T-C.
Other names: c.286A>G, p.Thr96Ala (NM_001025107.3, NM_001193495.2, NM_001365046.1 and 3 more transcripts); c.1198A>G, p.Thr400Ala (NM_001365045.1); c.1171A>G, p.Thr391Ala (NM_015840.4, NM_015841.4); short protein forms T400A, T391A, T96A.
Identifiers: ClinVar variation 1987334 (VCV001987334.4), dbSNP rs1161647155, ClinGen allele CA342597352.

ClinVar aggregate classification (germline): Uncertain significance (1 of 4 stars; one submission).

Conditions:
Aicardi-Goutieres syndrome 6 (AGS6). Identifiers: Orphanet 51, MedGen C3539013, MONDO:0014007, OMIM 615010.
Symmetrical dyschromatosis of extremities (DSH). Also called: RETICULATE ACROPIGMENTATION OF DOHI; SYMMETRIC DYSCHROMATOSIS OF THE EXTREMITIES; Dyschromatosis symmetrica hereditaria; DYSCHROMATOSIS SYMMETRICA HEREDITARIA 1. Identifiers: Orphanet 41, MedGen C0406775, MONDO:0007483, OMIM 127400.

Allele frequency attached by ClinVar (database versions not stated): gnomAD exomes below 0.00001; TOPMed below 0.00001; gnomAD 0.00001.
gnomAD v4.1: 3 of 1,614,086 alleles (0.00019%); highest among the groups gnomAD compares: East Asian, 0.0067%; no homozygotes.

Submission:

Labcorp Genetics (formerly Invitae), Labcorp
Classification: Uncertain significance for Aicardi-Goutieres syndrome 6; Symmetrical dyschromatosis of extremities. Last evaluated: 2021-11-22. Review status: criteria provided, single submitter. Criteria: Invitae Variant Classification Sherloc (09022015). Collection method: clinical testing. Allele origin: germline.
Comment: Algorithms developed to predict the effect of missense changes on protein structure and function output the following: SIFT: "Tolerated"; PolyPhen-2: "Benign"; Align-GVGD: "Class C0". The alanine amino acid residue is found in multiple mammalian species, which suggests that this missense change does not adversely affect protein function. In summary, the available evidence is currently insufficient to determine the role of this variant in disease. Therefore, it has been classified as a Variant of Uncertain Significance. This variant has not been reported in the literature in individuals affected with ADAR-related conditions. This variant is present in population databases (no rsID available, gnomAD 0.006%). This sequence change replaces threonine, which is neutral and polar, with alanine, which is neutral and non-polar, at codon 391 of the ADAR protein (p.Thr391Ala).